The following is an entry in ClinVar:

ClinVar aggregate classification (germline): Uncertain significance. Review status: criteria provided, multiple submitters, no conflicts (2 of 4 stars). 3 submissions from 3 submitters: Uncertain significance (3). Last evaluated 2025-05-21.

Conditions:
Inborn genetic diseases. Identifiers: MedGen C0950123, MeSH D030342.
ACAD9-related disorder. Also called: ACAD9-related condition.

Allele frequency attached by ClinVar (database versions not stated): gnomAD 0.00005; ExAC 0.00011; TOPMed 0.00011; gnomAD exomes 0.00020; ESP Exome Variant Server 0.00023.

Submissions (3):

PreventionGenetics, part of Exact Sciences
Classification: Uncertain significance for ACAD9-related condition. Last evaluated: 2025-05-21. Review status: criteria provided, single submitter. Criteria: ACMG Guidelines, 2015. Collection method: clinical testing. Allele origin: germline.
Comment: The ACAD9 c.1485G>A variant is not predicted to result in an amino acid change (p.=). This variant occurs at the last nucleotide of the exon and is predicted to possibly impact the canonical donor splice site (Alamut Visual v1.6.1). However, the use of computer prediction programs is not equivalent to functional evidence. To our knowledge, this variant has not been reported in the literature. This variant is reported in 0.020% of alleles in individuals of African descent in gnomAD. At this time, the clinical significance of this variant is uncertain due to the absence of conclusive functional and genetic evidence.

Labcorp Genetics (formerly Invitae), Labcorp
Classification: Uncertain significance. Last evaluated: 2024-10-16. Review status: criteria provided, single submitter. Criteria: Invitae Variant Classification Sherloc (09022015). Collection method: clinical testing. Allele origin: germline.
Comment: This sequence change affects codon 495 of the ACAD9 mRNA. It is a 'silent' change, meaning that it does not change the encoded amino acid sequence of the ACAD9 protein. This variant also falls at the last nucleotide of exon 14, which is part of the consensus splice site for this exon. This variant is present in population databases (rs151097457, gnomAD 0.02%). This variant has not been reported in the literature in individuals affected with ACAD9-related conditions. ClinVar contains an entry for this variant (Variation ID: 2060424). Variants that disrupt the consensus splice site are a relatively common cause of aberrant splicing (PMID: 17576681, 9536098). Algorithms developed to predict the effect of sequence changes on RNA splicing suggest that this variant may disrupt the consensus splice site. In summary, the available evidence is currently insufficient to determine the role of this variant in disease. Therefore, it has been classified as a Variant of Uncertain Significance.

Ambry Genetics
Classification: Uncertain significance for Inborn genetic diseases. Last evaluated: 2022-02-08. Review status: criteria provided, single submitter. Criteria: Ambry Variant Classification Scheme 2023. Collection method: clinical testing. Allele origin: germline.
Comment: Occurs in the last base pair of the exon Based on insufficient or conflicting evidence, the clinical significance of this alteration remains unclear.

Literature cited by the submitters: PubMed 17576681 (cited by Labcorp Genetics (formerly Invitae), Labcorp); PubMed 9536098 (cited by Labcorp Genetics (formerly Invitae), Labcorp).

NM_014049.5(ACAD9):c.1485G>A (p.Ala495=)

Gene: ACAD9 (acyl-CoA dehydrogenase family member 9; plus strand). Cytogenetic location: 3q21.3.
Variant type: single nucleotide variant.
Coding change: c.1485G>A on transcript NM_014049.5 (MANE Select); coding-DNA position 1485, G replaced by A.
Protein change: p.Ala495=; no amino-acid change (alanine 495 retained).
Molecular consequence: synonymous variant. On other transcripts: non-coding transcript variant (1).
Genome position (GRCh38, 1-based): chr3:128,909,099, G>A. VCF-style: chr3-128909099-G-A. GRCh37 (hg19) VCF-style: chr3-128627942-G-A.
Other names: c.1116G>A, p.Ala372= (NM_001410805.1); c.1485G>A (NM_014049.4).
Identifiers: ClinVar variation 2060424 (VCV002060424.4), dbSNP rs151097457, ClinGen allele CA2601558.